The following is an entry in ClinVar:

NM_001148.6(ANK2):c.11840G>A (p.Ser3947Asn)

Gene: ANK2 (ankyrin 2; plus strand). Cytogenetic location: 4q26.
Variant type: single nucleotide variant.
Coding change: c.11840G>A on transcript NM_001148.6 (MANE Select); coding-DNA position 11840, G replaced by A.
Protein change: p.Ser3947Asn; replaces serine 3947 with asparagine.
Molecular consequence: missense variant. On other transcripts: intron variant (9).
Genome position (GRCh38, 1-based): chr4:113,373,430, G>A. VCF-style: chr4-113373430-G-A. GRCh37 (hg19) VCF-style: chr4-114294586-G-A.
Other names: c.5558G>A, p.Ser1853Asn (NM_001127493.3); c.5597G>A, p.Ser1866Asn (NM_001354225.2); c.5579G>A, p.Ser1860Asn (NM_001354228.2); c.5564G>A, p.Ser1855Asn (NM_001354230.2); c.5720G>A, p.Ser1907Asn (NM_001354231.2); c.5714G>A, p.Ser1905Asn (NM_001354232.2); c.5675G>A, p.Ser1892Asn (NM_001354235.2); c.5483G>A, p.Ser1828Asn (NM_001354236.2); and 50 more; short protein forms S1734N, S1810N, S1866N, S1892N, S1905N, S4017N, S1762N, S1784N.
Identifiers: ClinVar variation 2565288 (VCV002565288.3), dbSNP rs1481823362, ClinGen allele CA357943832.

ClinVar aggregate classification (germline): Uncertain significance. Review status: criteria provided, multiple submitters, no conflicts (2 of 4 stars). 2 submissions from 2 submitters: Uncertain significance (2). Last evaluated 2025-07-14.

Conditions:
Cardiovascular phenotype. Identifiers: MedGen CN230736.
Long QT syndrome (LQTS). Identifiers: MedGen C0023976, MeSH D008133, MONDO:0002442. Disease mechanism: loss of function. Inheritance: Various modes of inheritance.

gnomAD v4.1: 7 of 1,614,186 alleles (0.00043%); highest among the groups gnomAD compares: Middle Eastern, 0.049%; no homozygotes.

Submissions (2):

Labcorp Genetics (formerly Invitae), Labcorp
Classification: Uncertain significance for Long QT syndrome. Last evaluated: 2025-07-14. Review status: criteria provided, single submitter. Criteria: Invitae Variant Classification Sherloc (09022015). Collection method: clinical testing. Allele origin: germline.
Comment: This sequence change replaces serine, which is neutral and polar, with asparagine, which is neutral and polar, at codon 3947 of the ANK2 protein (p.Ser3947Asn). This variant is present in population databases (no rsID available, gnomAD 0.003%). This variant has not been reported in the literature in individuals affected with ANK2-related conditions. ClinVar contains an entry for this variant (Variation ID: 2565288). An algorithm developed to predict the effect of missense changes on protein structure and function (PolyPhen-2) suggests that this variant is likely to be disruptive. In summary, the available evidence is currently insufficient to determine the role of this variant in disease. Therefore, it has been classified as a Variant of Uncertain Significance.

Ambry Genetics
Classification: Uncertain significance for Cardiovascular phenotype. Last evaluated: 2023-03-16. Review status: criteria provided, single submitter. Criteria: Ambry Variant Classification Scheme 2023. Collection method: clinical testing. Allele origin: germline.
Comment: The p.S3947N variant (also known as c.11840G>A), located in coding exon 45 of the ANK2 gene, results from a G to A substitution at nucleotide position 11840. The serine at codon 3947 is replaced by asparagine, an amino acid with highly similar properties. This amino acid position is conserved. In addition, this alteration is predicted to be deleterious by in silico analysis. Since supporting evidence is limited at this time, the clinical significance of this alteration remains unclear.